The following is an entry in ClinVar:

ClinVar aggregate classification (germline): Pathogenic (1 of 4 stars; one submission).

Conditions:
Laron-type isolated somatotropin defect. Also called: Laron Syndrome; Growth hormone binding protein deficiency or dysfunction; Growth hormone receptor deficiency or dysfunction; Laron dwarfism; Laron type pituitary dwarfism I; GROWTH HORMONE RECEPTOR DEFICIENCY. Identifiers: Orphanet 633, MedGen C0271568, MONDO:0009877, OMIM 262500.

Submission:

3billion
Classification: Pathogenic for Laron-type isolated somatotropin defect. Last evaluated: 2025-11-21. Review status: criteria provided, single submitter. Criteria: ACMG Guidelines, 2015. Collection method: clinical testing. Allele origin: germline. Affected: yes.
Comment: The variant is observed at an extremely low frequency in the gnomAD v4.1.0 dataset (total allele frequency: <0.001%). Predicted Consequence/Location: Stop-gained (nonsense): predicted to result in a loss or disruption of normal protein function through nonsense-mediated decay (NMD) or protein truncation. Multiple pathogenic variants are reported downstream of the variant. Therefore, this variant is classified as Pathogenic according to the recommendation of ACMG/AMP guideline.

NM_000163.5(GHR):c.760del (p.Gln253_Met254insTer)

Gene: GHR (growth hormone receptor; plus strand). Cytogenetic location: 5p12.
Variant type: Deletion.
Coding change: c.760del on transcript NM_000163.5 (MANE Select); coding-DNA position 760, one base deleted (A; older notation c.760delA).
Protein change: p.Gln253_Met254insTer.
Molecular consequence: nonsense.
Genome position (GRCh38, 1-based): chr5:42,711,348, A deleted. VCF-style (leftmost placement, unchanged base first): chr5-42711347-GA-G. GRCh37 (hg19) VCF-style: chr5-42711449-GA-G.
Other names: c.781del, p.Gln260_Met261insTer (NM_001242399.2); c.760del, p.Gln253_Met254insTer (NM_001242400.2, NM_001242401.4, NM_001242402.2 and 5 more transcripts); c.694del, p.Gln231_Met232insTer (NM_001242460.2).
Identifiers: ClinVar variation 4854827 (VCV004854827.1).